The following is an entry in ClinVar:

ClinVar aggregate classification (germline): Likely benign (1 of 4 stars; one submission).

Allele frequency attached by ClinVar (database versions not stated): ESP Exome Variant Server 0.00023; gnomAD exomes 0.00032; TOPMed 0.00032; gnomAD 0.00038; ExAC 0.00055.
gnomAD v4.1: 581 of 1,612,966 alleles (0.036%); highest among the groups gnomAD compares: Admixed American, 0.03%; 3 homozygotes.

Submission:

CeGaT Center for Human Genetics Tuebingen
Classification: Likely benign. Last evaluated: 2024-02-01. Review status: criteria provided, single submitter. Criteria: CeGaT Center For Human Genetics Tuebingen Variant Classification Criteria Version 2. Collection method: clinical testing. Allele origin: germline. Affected: yes. Observed: 1 variant allele.
Comment: RICTOR: BP4, BP7

NM_152756.5(RICTOR):c.4611G>T (p.Leu1537=)

Genes: OSMR (oncostatin M receptor; plus strand), RICTOR (RPTOR independent companion of MTOR complex 2; minus strand). Cytogenetic location: 5p13.1.
Variant type: single nucleotide variant.
Coding change: c.4611G>T on transcript NM_152756.5 (MANE Select); coding-DNA position 4611, G replaced by T.
Protein change: p.Leu1537=; no amino-acid change (leucine 1537 retained).
Molecular consequence: synonymous variant.
Genome position (GRCh38, 1-based): chr5:38,945,513, C>A on the plus strand (G>T on the coding strand, the complement: RICTOR is on the minus strand). VCF-style: chr5-38945513-C-A. GRCh37 (hg19) VCF-style: chr5-38945615-C-A.
Other names: c.4683G>T, p.Leu1561= (NM_001285439.2); c.3642G>T, p.Leu1214= (NM_001285440.2).
Identifiers: ClinVar variation 3025361 (VCV003025361.22), dbSNP rs144269248, ClinGen allele CA3244619.
Genomic context (GRCh38, chr5:38,945,513, plus strand): 5'-TCACTAGGTTTTTCTGAAGGTGGGACGTGATCACTTACCTGAATGACTACATATTGCACT[C>A]AGTTGGTTGCTGGGCTGGAAACCCAGAATTTCAATACAGACACAATAAAGGCAGTTATCA-3'
Protein context (NP_689969.2, residues 1527-1547): EILGFQPSNQ[Leu1537=]SAICSHSDFQ